The following is an entry in ClinVar:

ClinVar aggregate classification (germline): Uncertain significance (1 of 4 stars; one submission).

Conditions:
Hypophosphatasia. Also called: Phosphoethanol-aminuria. Identifiers: Orphanet 436, MedGen C0020630, MeSH D007014, MONDO:0018570.

Submission:

Genomenon, Inc
Classification: Uncertain significance for Hypophosphatasia. Last evaluated: 2026-09-01. Review status: criteria provided, single submitter. Criteria: Genomenon Sequence Variant Interpretation Standards - Updated. Collection method: curation. Allele origin: germline. Affected: yes.
Comment: ALPL p.Thr148Ala (c.442A>G) is a missense variant that changes the amino acid at codon 148 from Threonine to Alanine. This variant has been observed in at least one proband affected with an ALPL-related disorder (PMID:15660230). It is absent or not present at a significant frequency in gnomAD. In silico models predict that this variant is possibly or probably damaging. In conclusion, we classify ALPL p.Thr148Ala (c.442A>G) as a variant of uncertain significance.

Literature cited by the submitters: PubMed 15660230.

NM_000478.6(ALPL):c.442A>G (p.Thr148Ala)

Gene: ALPL (alkaline phosphatase, biomineralization associated; plus strand). Cytogenetic location: 1p36.12.
Variant type: single nucleotide variant.
Coding change: c.442A>G on transcript NM_000478.6 (MANE Select); coding-DNA position 442, A replaced by G.
Protein change: p.Thr148Ala; replaces threonine 148 with alanine.
Molecular consequence: missense variant.
Genome position (GRCh38, 1-based): chr1:21,563,254, A>G. VCF-style: chr1-21563254-A-G. GRCh37 (hg19) VCF-style: chr1-21889747-A-G.
Other names: c.277A>G, p.Thr93Ala (NM_001127501.4); c.211A>G, p.Thr71Ala (NM_001177520.3); c.442A>G, p.Thr148Ala (NM_001369803.2, NM_001369804.2, NM_001369805.2); short protein forms T148A, T71A, T93A.
Identifiers: ClinVar variation 4086806 (VCV004086806.2).